The following is an entry in ClinVar:

NM_005269.3(GLI1):c.3202C>T (p.Arg1068Trp)

Gene: GLI1 (GLI family zinc finger 1; plus strand). Cytogenetic location: 12q13.3.
Variant type: single nucleotide variant.
Coding change: c.3202C>T on transcript NM_005269.3 (MANE Select); coding-DNA position 3202, C replaced by T.
Protein change: p.Arg1068Trp; replaces arginine 1068 with tryptophan.
Molecular consequence: missense variant.
Genome position (GRCh38, 1-based): chr12:57,471,942, C>T. VCF-style: chr12-57471942-C-T. GRCh37 (hg19) VCF-style: chr12-57865725-C-T.
Other names: c.2818C>T, p.Arg940Trp (NM_001160045.2); c.3079C>T, p.Arg1027Trp (NM_001167609.2); short protein forms R1027W, R1068W, R940W.
Identifiers: ClinVar variation 754733 (VCV000754733.7), dbSNP rs149870317, ClinGen allele CA6649096.

ClinVar aggregate classification (germline): Likely benign. Review status: criteria provided, multiple submitters, no conflicts (2 of 4 stars). 3 submissions from 3 submitters: Likely benign (2). 1 of the submissions does not count toward it. Last evaluated 2019-12-31.

Conditions:
GLI1-related disorder. Also called: GLI1-related condition.

Allele frequency attached by ClinVar (database versions not stated): ESP Exome Variant Server 0.00023; 1000 Genomes Project 0.00040; gnomAD exomes 0.00040 and 0.00065; gnomAD 0.00041 and 0.00052; TOPMed 0.00046; ExAC 0.00065; 1000 Genomes Project 30x 0.00078.
gnomAD v4.1: 670 of 1,611,858 alleles (0.042%); highest among the groups gnomAD compares: South Asian, 0.36%; 6 homozygotes.

Submissions (3):

Labcorp Genetics (formerly Invitae), Labcorp
Classification: Likely benign. Last evaluated: 2019-12-31. Review status: criteria provided, single submitter. Criteria: Invitae Variant Classification Sherloc (09022015). Collection method: clinical testing. Allele origin: germline.

Breakthrough Genomics
Classification: Likely benign. Review status: criteria provided, single submitter. Criteria: ACMG Guidelines, 2015. Collection method: not provided. Allele origin: germline. Inheritance: Autosomal recessive inheritance. Affected: yes.

PreventionGenetics, part of Exact Sciences
Classification: Likely benign for GLI1-related condition. Last evaluated: 2021-02-22. Review status: no assertion criteria provided. Collection method: clinical testing. Allele origin: germline. Not counted in ClinVar's aggregate classification.
Comment: This variant is classified as likely benign based on ACMG/AMP sequence variant interpretation guidelines (Richards et al. 2015 PMID: 25741868, with internal and published modifications).